The following is an entry in ClinVar:

ClinVar aggregate classification (germline): Pathogenic (1 of 4 stars; one submission).

Conditions:
Marfan syndrome (MFS). Also called: MARFAN SYNDROME, TYPE I; Marfan syndrome type 1; Marfan's syndrome; Marfan syndrome, classic; FBN1-Related Marfan Syndrome. Identifiers: Orphanet 284963, Orphanet 558, MedGen C0024796, MONDO:0007947, OMIM 154700.
Familial thoracic aortic aneurysm and aortic dissection (TAAD). Also called: Thoracic aortic aneurysms and dissections. Identifiers: Orphanet 91387, MedGen C4707243, MONDO:0019625.

Submission:

Labcorp Genetics (formerly Invitae), Labcorp
Classification: Pathogenic for Marfan syndrome; Familial thoracic aortic aneurysm and aortic dissection. Last evaluated: 2024-06-25. Review status: criteria provided, single submitter. Criteria: Invitae Variant Classification Sherloc (09022015). Collection method: clinical testing. Allele origin: germline.
Comment: This sequence change creates a premature translational stop signal (p.Glu2264*) in the FBN1 gene. It is expected to result in an absent or disrupted protein product. Loss-of-function variants in FBN1 are known to be pathogenic (PMID: 17657824, 19293843). This variant is not present in population databases (gnomAD no frequency). This variant has not been reported in the literature in individuals affected with FBN1-related conditions. For these reasons, this variant has been classified as Pathogenic.

Literature cited by the submitters: PubMed 17657824; PubMed 19293843.

NM_000138.5(FBN1):c.6790G>T (p.Glu2264Ter)

Gene: FBN1 (fibrillin 1; minus strand). Cytogenetic location: 15q21.1.
Variant type: single nucleotide variant.
Coding change: c.6790G>T on transcript NM_000138.5 (MANE Select); coding-DNA position 6790, G replaced by T.
Protein change: p.Glu2264Ter; replaces glutamic acid 2264 with a stop codon.
Molecular consequence: nonsense.
Genome position (GRCh38, 1-based): chr15:48,430,752, C>A on the plus strand (G>T on the coding strand, the complement: FBN1 is on the minus strand). VCF-style: chr15-48430752-C-A. GRCh37 (hg19) VCF-style: chr15-48722949-C-A.
Other names: c.6790G>T, p.Glu2264Ter (NM_001406716.1); short protein forms E2264*.
Identifiers: ClinVar variation 2925536 (VCV002925536.3), dbSNP rs2505420133, ClinGen allele CA392332531.